The following is an entry in ClinVar:

NM_001289808.2(CRYAB):c.429C>T (p.Leu143=)

Gene: CRYAB (crystallin alpha B; minus strand). Cytogenetic location: 11q23.1.
Variant type: single nucleotide variant.
Coding change: c.429C>T on transcript NM_001289808.2 (MANE Select); coding-DNA position 429, C replaced by T.
Protein change: p.Leu143=; no amino-acid change (leucine 143 retained).
Molecular consequence: synonymous variant.
Genome position (GRCh38, 1-based): chr11:111,908,863, G>A on the plus strand (C>T on the coding strand, the complement: CRYAB is on the minus strand). VCF-style: chr11-111908863-G-A. GRCh37 (hg19) VCF-style: chr11-111779587-G-A.
Other names: c.429C>T, p.Leu143= (NM_001368245.1, NM_001885.3, NM_001289807.1); c.228C>T, p.Leu76= (NM_001368246.1, NM_001330379.1).
Identifiers: ClinVar variation 2963871 (VCV002963871.4), dbSNP rs1555165238, ClinGen allele CA476782622.

ClinVar aggregate classification (germline): Conflicting classifications of pathogenicity. Review status: criteria provided, conflicting classifications (1 of 4 stars). 2 submissions from 2 submitters: VUS-low (1); Likely benign (1). Last evaluated 2025-12-12.

Conditions:
Dilated cardiomyopathy 1II (CMD1II). Identifiers: Orphanet 154, MedGen C3554649, MONDO:0014073, OMIM 615184.

Allele frequency attached by ClinVar (database versions not stated): gnomAD exomes below 0.00001.
gnomAD v4.1: 1 of 1,614,088 alleles (0.000062%); highest among the groups gnomAD compares: East Asian, 0.0022%; no homozygotes.

Submissions (2):

Center for Molecular Medicine, Children’s Hospital of Fudan University
Classification: VUS-low for Dilated cardiomyopathy 1II. Last evaluated: 2025-12-12. Review status: criteria provided, single submitter. Criteria: ACMG Guidelines 2015. Collection method: clinical testing. Allele origin: paternal. Affected: yes.
Comment: PM2_PP

Labcorp Genetics (formerly Invitae), Labcorp
Classification: Likely benign for Dilated cardiomyopathy 1II. Last evaluated: 2022-12-25. Review status: criteria provided, single submitter. Criteria: Invitae Variant Classification Sherloc (09022015). Collection method: clinical testing. Allele origin: germline.